The following is an entry in ClinVar:

ClinVar aggregate classification (germline): Uncertain significance (1 of 4 stars; one submission).

Conditions:
Kabuki syndrome. Also called: Kabuki make-up syndrome; NIIKAWA-KUROKI SYNDROME. Identifiers: Orphanet 2322, MedGen C0796004, MONDO:0016512.

Submission:

Labcorp Genetics (formerly Invitae), Labcorp
Classification: Uncertain significance for Kabuki syndrome. Last evaluated: 2021-07-28. Review status: criteria provided, single submitter. Criteria: Invitae Variant Classification Sherloc (09022015). Collection method: clinical testing. Allele origin: germline.
Comment: In summary, the available evidence is currently insufficient to determine the role of this variant in disease. Therefore, it has been classified as a Variant of Uncertain Significance. Advanced modeling of protein sequence and biophysical properties (such as structural, functional, and spatial information, amino acid conservation, physicochemical variation, residue mobility, and thermodynamic stability) performed at Invitae indicates that this missense variant is not expected to disrupt KMT2D protein function. This variant has not been reported in the literature in individuals affected with KMT2D-related conditions. This variant is not present in population databases (ExAC no frequency). This sequence change replaces serine with tyrosine at codon 834 of the KMT2D protein (p.Ser834Tyr). The serine residue is weakly conserved and there is a large physicochemical difference between serine and tyrosine.

NM_003482.4(KMT2D):c.2501C>A (p.Ser834Tyr)

Gene: KMT2D (lysine methyltransferase 2D; minus strand). Cytogenetic location: 12q13.12.
Variant type: single nucleotide variant.
Coding change: c.2501C>A on transcript NM_003482.4 (MANE Select); coding-DNA position 2501, C replaced by A.
Protein change: p.Ser834Tyr; replaces serine 834 with tyrosine.
Molecular consequence: missense variant.
Genome position (GRCh38, 1-based): chr12:49,051,182, G>T on the plus strand (C>A on the coding strand, the complement: KMT2D is on the minus strand). VCF-style: chr12-49051182-G-T. GRCh37 (hg19) VCF-style: chr12-49444965-G-T.
Other names: short protein forms S834Y.
Identifiers: ClinVar variation 1370736 (VCV001370736.6), dbSNP rs1276271557, ClinGen allele CA384665668.